The following is an entry in ClinVar:

ClinVar aggregate classification (germline): Uncertain significance. Review status: criteria provided, multiple submitters, no conflicts (2 of 4 stars). 2 submissions from 2 submitters: Uncertain significance (2). Last evaluated 2026-09-22.

Conditions:
GLI2-related disorder. Also called: GLI2-related condition; GLI2-related disorders.
Postaxial polydactyly-anterior pituitary anomalies-facial dysmorphism syndrome. Also called: Culler-Jones syndrome. Identifiers: Orphanet 420584, MedGen C4014479, MONDO:0014369, OMIM 615849.
Holoprosencephaly 9 (HPE9). Also called: HOLOPROSENCEPHALY WITH MICROPHTHALMIA AND FIRST BRANCHIAL ARCH ANOMALIES; PITUITARY ANOMALIES WITH HOLOPROSENCEPHALY-LIKE FEATURES. Identifiers: Orphanet 2162, MedGen C1835819, MONDO:0012563, OMIM 610829.

Allele frequency attached by ClinVar (database versions not stated): gnomAD 0.00002 and 0.00003; TOPMed 0.00002; ExAC 0.00003; gnomAD exomes 0.00004.
gnomAD v4.1: 67 of 1,613,938 alleles (0.0042%); highest among the groups gnomAD compares: Middle Eastern, 0.13%; no homozygotes.

Submissions (2):

PreventionGenetics, part of Exact Sciences
Classification: Uncertain significance for GLI2-related condition. Last evaluated: 2026-09-22. Review status: criteria provided, single submitter. Criteria: ACMG Guidelines, 2015. Collection method: clinical testing. Allele origin: germline.
Comment: The GLI2 c.4661C>T variant is predicted to result in the amino acid substitution p.Pro1554Leu. This variant has been reported in an individual with lobar holoprosencephaly (Rahimov et al. 2006. PubMed ID: 17096318, referred to as NM_030379:c.3677C>T, p.Pro1226Leu). This variant has also been reported in the heterozygous state in a family with diabetes and in an individual with disorders of sex development (Mueller et al. 2024. PubMed ID: 38509065; Table S1, Zidoune et al. 2022. PubMed ID: 36110220); however, variants in two other genes, including a de novo variant, have also been reported in the latter individual with a disorder of sex development. This variant is reported in 0.0099% of alleles in individuals of Ashkenazi Jewish descent in gnomAD v2. In gnomad v4, (available only on GRCh38), this variant is reported in 0.0093% of alleles in individuals of African descent, with a total allele count across all subpopulations of 67 alleles. This population data is not consistent with this variant being a primary cause of disease. Functional studies reveal that, in the context of pancreatic progenitors, this variant causes altered transcriptional activity, dysregulated signaling and impaired differentiation into endocrine cells (Mueller et al. 2024. PubMed ID: 38509065). Although we suspect that this variant may be benign, at this time, the clinical significance of this variant is uncertain due to the absence of conclusive functional and genetic evidence.

Labcorp Genetics (formerly Invitae), Labcorp
Classification: Uncertain significance for Postaxial polydactyly-anterior pituitary anomalies-facial dysmorphism syndrome; Holoprosencephaly 9. Last evaluated: 2024-06-08. Review status: criteria provided, single submitter. Criteria: Invitae Variant Classification Sherloc (09022015). Collection method: clinical testing. Allele origin: germline.
Comment: This sequence change replaces proline, which is neutral and non-polar, with leucine, which is neutral and non-polar, at codon 1554 of the GLI2 protein (p.Pro1554Leu). This variant is present in population databases (rs767802807, gnomAD 0.01%). This missense change has been observed in individuals with lobar holoprosencephaly (PMID: 17096318, 24744436). This variant is also known as c.3677C>T (p.Pro1226Leu). ClinVar contains an entry for this variant (Variation ID: 1506585). Advanced modeling of protein sequence and biophysical properties (such as structural, functional, and spatial information, amino acid conservation, physicochemical variation, residue mobility, and thermodynamic stability) performed at Invitae indicates that this missense variant is not expected to disrupt GLI2 protein function with a negative predictive value of 80%. In summary, the available evidence is currently insufficient to determine the role of this variant in disease. Therefore, it has been classified as a Variant of Uncertain Significance.

Literature cited by the submitters: PubMed 17096318 (cited by Labcorp Genetics (formerly Invitae), Labcorp); PubMed 24744436 (cited by Labcorp Genetics (formerly Invitae), Labcorp).

NM_001374353.1(GLI2):c.4610C>T (p.Pro1537Leu)

Gene: GLI2 (GLI family zinc finger 2; plus strand). Cytogenetic location: 2q14.2.
Variant type: single nucleotide variant.
Coding change: c.4610C>T on transcript NM_001374353.1 (MANE Select); coding-DNA position 4610, C replaced by T.
Protein change: p.Pro1537Leu; replaces proline 1537 with leucine.
Molecular consequence: missense variant.
Genome position (GRCh38, 1-based): chr2:120,990,575, C>T. VCF-style: chr2-120990575-C-T. GRCh37 (hg19) VCF-style: chr2-121748151-C-T.
Other names: c.4661C>T, p.Pro1554Leu (NM_001371271.1, NM_005270.5); c.4235C>T, p.Pro1412Leu (NM_001374354.1); c.4661C>T (NM_005270.4); short protein forms P1554L, P1537L, P1412L.
Identifiers: ClinVar variation 1506585 (VCV001506585.9), dbSNP rs767802807, ClinGen allele CA1852676.